The following is an entry in ClinVar:

NM_001370259.2(MEN1):c.1594G>A (p.Gly532Ser)

Gene: MEN1 (menin 1; minus strand). Cytogenetic location: 11q13.1.
Variant type: single nucleotide variant.
Coding change: c.1594G>A on transcript NM_001370259.2 (MANE Select); coding-DNA position 1594, G replaced by A.
Protein change: p.Gly532Ser; replaces glycine 532 with serine.
Molecular consequence: missense variant. On other transcripts: non-coding transcript variant (4).
Genome position (GRCh38, 1-based): chr11:64,804,573, C>T on the plus strand (G>A on the coding strand, the complement: MEN1 is on the minus strand). VCF-style: chr11-64804573-C-T. GRCh37 (hg19) VCF-style: chr11-64572045-C-T.
Other names: c.1609G>A, p.Gly537Ser (NM_000244.4, NM_001407145.1, NM_130800.3 and 4 more transcripts); c.1720G>A, p.Gly574Ser (NM_001370251.2, NM_001407142.1, NM_001407143.1 and 1 more transcripts); c.1594G>A, p.Gly532Ser (NM_001370260.2, NM_001370261.2, NM_001407146.1 and 2 more transcripts); c.1489G>A, p.Gly497Ser (NM_001370262.2, NM_001370263.2, NM_001407148.1 and 1 more transcripts); c.1735G>A, p.Gly579Ser (NM_001407150.1); c.1615G>A, p.Gly539Ser (NM_001407151.1); c.1429G>A, p.Gly477Ser (NM_001407152.1); short protein forms G477S, G497S, G532S, G537S, G539S, G574S, G579S.
Identifiers: ClinVar variation 3229071 (VCV003229071.1), dbSNP rs587780843, ClinGen allele CA381178231.

ClinVar aggregate classification (germline): Uncertain significance (1 of 4 stars; one submission).

Conditions:
Hereditary cancer-predisposing syndrome. Also called: Neoplastic Syndromes, Hereditary; Tumor predisposition; Hereditary neoplastic syndrome; Hereditary Cancer Syndrome. Identifiers: Orphanet 140162, MedGen C0027672, MeSH D009386, MONDO:0015356.

Submission:

Ambry Genetics
Classification: Uncertain significance for Hereditary cancer-predisposing syndrome. Last evaluated: 2023-12-16. Review status: criteria provided, single submitter. Criteria: Ambry Variant Classification Scheme 2023. Collection method: clinical testing. Allele origin: germline.
Comment: The p.G532S variant (also known as c.1594G>A), located in coding exon 9 of the MEN1 gene, results from a G to A substitution at nucleotide position 1594. The glycine at codon 532 is replaced by serine, an amino acid with similar properties. This amino acid position is not well conserved in available vertebrate species. In addition, this alteration is predicted to be tolerated by in silico analysis. Since supporting evidence is limited at this time, the clinical significance of this alteration remains unclear.